The following is an entry in ClinVar:

ClinVar aggregate classification (germline): Uncertain significance (1 of 4 stars; one submission).

Allele frequency attached by ClinVar (database versions not stated): gnomAD exomes 0.00003.

Submission:

Labcorp Genetics (formerly Invitae), Labcorp
Classification: Uncertain significance. Last evaluated: 2022-02-20. Review status: criteria provided, single submitter. Criteria: Invitae Variant Classification Sherloc (09022015). Collection method: clinical testing. Allele origin: germline.
Comment: This variant has not been reported in the literature in individuals affected with IL6ST-related conditions. This variant is present in population databases (no rsID available, gnomAD 0.0009%). This sequence change replaces glycine, which is neutral and non-polar, with arginine, which is basic and polar, at codon 149 of the IL6ST protein (p.Gly149Arg). Algorithms developed to predict the effect of missense changes on protein structure and function are either unavailable or do not agree on the potential impact of this missense change (SIFT: "Deleterious"; PolyPhen-2: "Probably Damaging"; Align-GVGD: "Class C15"). In summary, the available evidence is currently insufficient to determine the role of this variant in disease. Therefore, it has been classified as a Variant of Uncertain Significance.

NM_002184.4(IL6ST):c.445G>A (p.Gly149Arg)

Gene: IL6ST (interleukin 6 cytokine family signal transducer; minus strand). Cytogenetic location: 5q11.2.
Variant type: single nucleotide variant.
Coding change: c.445G>A on transcript NM_002184.4 (MANE Select); coding-DNA position 445, G replaced by A.
Protein change: p.Gly149Arg; replaces glycine 149 with arginine.
Molecular consequence: missense variant. On other transcripts: non-coding transcript variant (2), intron variant (3).
Genome position (GRCh38, 1-based): chr5:55,968,322, C>T on the plus strand (G>A on the coding strand, the complement: IL6ST is on the minus strand). VCF-style: chr5-55968322-C-T. GRCh37 (hg19) VCF-style: chr5-55264150-C-T.
Other names: c.445G>A, p.Gly149Arg (NM_001190981.2, NM_001364275.2, NM_175767.3); c.235G>A, p.Gly79Arg (NM_001364276.2); c.-423+1228G>A (NM_001364279.2, NM_001364277.2); c.-413+1228G>A (NM_001364278.2); short protein forms G149R, G79R.
Identifiers: ClinVar variation 2100103 (VCV002100103.4), dbSNP rs960656067, ClinGen allele CA119052391.
Genomic context (GRCh38, chr5:55,968,322, plus strand): 5'-TTAAAATAACGTACCATTCAGATTTTAAAGTGAAGTTTGTCTCCAAGTGTGTTTCCCTTC[C>T]ACCATCCCACTCACACCTCATTTTCTTCCCCTCGTTCACAATGCAACTCAAATTTTTAGG-3'
Protein context (NP_002175.2, residues 139-159): GKKMRCEWDG[Gly149Arg]RETHLETNFT